The following is an entry in ClinVar:

NM_004493.3(HSD17B10):c.334del (p.Glu112fs)

Gene: HSD17B10 (hydroxysteroid 17-beta dehydrogenase 10; minus strand). Cytogenetic location: Xp11.22.
Variant type: Deletion.
Coding change: c.334del on transcript NM_004493.3 (MANE Select); coding-DNA position 334, one base deleted (G; older notation c.334delG).
Protein change: p.Glu112fs; shifts the reading frame from glutamic acid 112.
Molecular consequence: frameshift variant.
Genome position (GRCh38, 1-based): chrX:53,432,270, C deleted on the plus strand (G on the coding strand, the reverse complement: HSD17B10 is on the minus strand); the first of 2 consecutive C bases (chrX:53,432,270-53,432,271); deleting either gives the same sequence. VCF-style (leftmost placement, unchanged base first): chrX-53432269-TC-T. GRCh37 (hg19) VCF-style: chrX-53459217-TC-T.
Other names: c.334del, p.Glu112fs (NM_001037811.2); short protein forms E112fs.
Identifiers: ClinVar variation 4724828 (VCV004724828.1).

ClinVar aggregate classification (germline): Pathogenic (1 of 4 stars; one submission).

Submission:

Labcorp Genetics (formerly Invitae), Labcorp
Classification: Pathogenic. Last evaluated: 2025-08-04. Review status: criteria provided, single submitter. Criteria: Invitae Variant Classification Sherloc (09022015). Collection method: clinical testing. Allele origin: germline.
Comment: This sequence change creates a premature translational stop signal (p.Glu112Lysfs*9) in the HSD17B10 gene. It is expected to result in an absent or disrupted protein product. Loss-of-function variants in HSD17B10 are known to be pathogenic (PMID: 22127393). This variant is not present in population databases (gnomAD no frequency). This variant has not been reported in the literature in individuals affected with HSD17B10-related conditions. For these reasons, this variant has been classified as Pathogenic.

Literature cited by the submitters: PubMed 22127393.